The following is an entry in ClinVar:

NM_198578.4(LRRK2):c.6482A>G (p.Asn2161Ser)

Gene: LRRK2 (leucine rich repeat kinase 2; plus strand). Cytogenetic location: 12q12.
Variant type: single nucleotide variant.
Coding change: c.6482A>G on transcript NM_198578.4 (MANE Select); coding-DNA position 6482, A replaced by G.
Protein change: p.Asn2161Ser; replaces asparagine 2161 with serine.
Molecular consequence: missense variant.
Genome position (GRCh38, 1-based): chr12:40,351,639, A>G. VCF-style: chr12-40351639-A-G. GRCh37 (hg19) VCF-style: chr12-40745441-A-G.
Other names: short protein forms N2161S.
Identifiers: ClinVar variation 2567423 (VCV002567423.2), dbSNP rs2499981903, ClinGen allele CA384406946.
Genomic context (GRCh38, chr12:40,351,639, plus strand): 5'-CGAGACGCATTTTATTACCTAAAAACGTAATTGTTGAATGCATGGTTGCTACACATCACA[A>G]CAGCAGGAATGCAAGCATTTGGCTGGGCTGTGGGCACACCGACAGAGGACAGCTCTCATT-3'
Protein context (NP_940980.4, residues 2151-2171): IVECMVATHH[Asn2161Ser]SRNASIWLGC

ClinVar aggregate classification (germline): Uncertain significance (1 of 4 stars; one submission).

Conditions:
Inborn genetic diseases. Identifiers: MedGen C0950123, MeSH D030342.

Allele frequency attached by ClinVar (database versions not stated): gnomAD exomes below 0.00001.
gnomAD v4.1: 2 of 1,614,224 alleles (0.00012%); highest among the groups gnomAD compares: East Asian, 0.0022%; no homozygotes.

Submission:

Ambry Genetics
Classification: Uncertain significance for Inborn genetic diseases. Last evaluated: 2023-05-26. Review status: criteria provided, single submitter. Criteria: Ambry Variant Classification Scheme 2023. Collection method: clinical testing. Allele origin: germline.
Comment: The p.N2161S variant (also known as c.6482A>G), located in coding exon 44 of the LRRK2 gene, results from an A to G substitution at nucleotide position 6482. The asparagine at codon 2161 is replaced by serine, an amino acid with highly similar properties. This amino acid position is conserved. In addition, this alteration is predicted to be tolerated by in silico analysis. Since supporting evidence is limited at this time, the clinical significance of this alteration remains unclear.